The following is an entry in ClinVar:

ClinVar aggregate classification (germline): Uncertain significance (1 of 4 stars; one submission).

Allele frequency attached by ClinVar (database versions not stated): gnomAD exomes below 0.00001; ExAC 0.00001; gnomAD 0.00001.
gnomAD v4.1: 3 of 1,613,836 alleles (0.00019%); highest among the groups gnomAD compares: African/African-American, 0.0027%; no homozygotes.

Submission:

GeneDx
Classification: Uncertain significance. Last evaluated: 2023-04-14. Review status: criteria provided, single submitter. Criteria: GeneDx Variant Classification Process June 2021. Collection method: clinical testing. Allele origin: germline. Affected: yes.
Comment: Not observed at significant frequency in large population cohorts (gnomAD); In silico analysis supports that this missense variant has a deleterious effect on protein structure/function; Has not been previously published as pathogenic or benign to our knowledge

NM_138694.4(PKHD1):c.3112A>G (p.Thr1038Ala)

Gene: PKHD1 (PKHD1 ciliary IPT domain containing fibrocystin/polyductin; minus strand). Cytogenetic location: 6p12.2.
Variant type: single nucleotide variant.
Coding change: c.3112A>G on transcript NM_138694.4 (MANE Select); coding-DNA position 3112, A replaced by G.
Protein change: p.Thr1038Ala; replaces threonine 1038 with alanine.
Molecular consequence: missense variant.
Genome position (GRCh38, 1-based): chr6:52,035,707, T>C on the plus strand (A>G on the coding strand, the complement: PKHD1 is on the minus strand). VCF-style: chr6-52035707-T-C. GRCh37 (hg19) VCF-style: chr6-51900505-T-C.
Other names: c.3112A>G, p.Thr1038Ala (NM_170724.3); short protein forms T1038A.
Identifiers: ClinVar variation 2662835 (VCV002662835.1), dbSNP rs748482868, ClinGen allele CA3853032.